The following is an entry in ClinVar:

NM_000304.4(PMP22):c.181del (p.Trp61fs)

Gene: PMP22 (peripheral myelin protein 22; minus strand). Cytogenetic location: 17p12.
Variant type: Deletion.
Coding change: c.181del on transcript NM_000304.4 (MANE Select); coding-DNA position 181, one base deleted (T; older notation c.181delT).
Protein change: p.Trp61fs; shifts the reading frame from tryptophan 61.
Molecular consequence: frameshift variant. On other transcripts: non-coding transcript variant (2).
Genome position (GRCh38, 1-based): chr17:15,239,609, A deleted on the plus strand (T on the coding strand, the reverse complement: PMP22 is on the minus strand). VCF-style (leftmost placement, unchanged base first): chr17-15239608-CA-C. GRCh37 (hg19) VCF-style: chr17-15142925-CA-C.
Other names: c.181del, p.Trp61fs (NM_001281455.2, NM_001281456.2, NM_001330143.2 and 2 more transcripts); short protein forms W61fs.
Identifiers: ClinVar variation 1397854 (VCV001397854.6), dbSNP rs2150676904, ClinGen allele CA2573153159.

ClinVar aggregate classification (germline): Pathogenic (1 of 4 stars; one submission).

Conditions:
Charcot-Marie-Tooth disease, type I (CMT1). Also called: Charcot-Marie-Tooth, Type 1; Charcot-Marie-Tooth disease type 1. Identifiers: Orphanet 65753, MedGen C0751036, MONDO:0019011.

Submission:

Labcorp Genetics (formerly Invitae), Labcorp
Classification: Pathogenic for Charcot-Marie-Tooth disease, type I. Last evaluated: 2021-10-03. Review status: criteria provided, single submitter. Criteria: Invitae Variant Classification Sherloc (09022015). Collection method: clinical testing. Allele origin: germline.
Comment: This variant has not been reported in the literature in individuals affected with PMP22-related conditions. For these reasons, this variant has been classified as Pathogenic. Algorithms developed to predict the effect of sequence changes on RNA splicing suggest that this variant may create or strengthen a splice site. This variant is not present in population databases (ExAC no frequency). This sequence change creates a premature translational stop signal (p.Trp61Glyfs*9) in the PMP22 gene. It is expected to result in an absent or disrupted protein product. Loss-of-function variants in PMP22 are known to be pathogenic (PMID: 23224996).

Literature cited by the submitters: PubMed 23224996.